The following is an entry in ClinVar:

NM_013266.4(CTNNA3):c.322T>C (p.Phe108Leu)

Gene: CTNNA3 (catenin alpha 3; minus strand). Cytogenetic location: 10q21.3.
Variant type: single nucleotide variant.
Coding change: c.322T>C on transcript NM_013266.4 (MANE Select); coding-DNA position 322, T replaced by C.
Protein change: p.Phe108Leu; replaces phenylalanine 108 with leucine.
Molecular consequence: missense variant.
Genome position (GRCh38, 1-based): chr10:67,539,640, A>G on the plus strand (T>C on the coding strand, the complement: CTNNA3 is on the minus strand). VCF-style: chr10-67539640-A-G. GRCh37 (hg19) VCF-style: chr10-69299398-A-G.
Other names: c.322T>C, p.Phe108Leu (NM_001127384.3); c.358T>C, p.Phe120Leu (NM_001291133.2); short protein forms F108L, F120L.
Identifiers: ClinVar variation 4657491 (VCV004657491.1).
Genomic context (GRCh38, chr10:67,539,640, plus strand): 5'-AGGCACGGGCAGCTTGAACCACAGCCTCCCTTTTTGGGAGAAAACAGGGGTCATCTGTAA[A>G]TCTCTCAGCTGATACTTTCAGAGCTTCACCTGAAAAATACAACCCCATATAAGTTATACT-3'
Protein context (NP_037398.2, residues 98-118): SEALKVSAER[Phe108Leu]TDDPCFLPKR

ClinVar aggregate classification (germline): Uncertain significance (1 of 4 stars; one submission).

Submission:

Ambry Genetics
Classification: Uncertain significance. Last evaluated: 2025-10-27. Review status: criteria provided, single submitter. Criteria: Ambry Variant Classification Scheme 2023. Collection method: clinical testing. Allele origin: germline.
Comment: The p.F108L variant (also known as c.322T>C), located in coding exon 3 of the CTNNA3 gene, results from a T to C substitution at nucleotide position 322. The phenylalanine at codon 108 is replaced by leucine, an amino acid with highly similar properties. This amino acid position is conserved. In addition, this alteration is predicted to be tolerated by in silico analysis. Based on the available evidence, the clinical significance of this variant remains unclear.